The following is an entry in ClinVar:

NM_201384.3(PLEC):c.6627G>A (p.Leu2209=)

Gene: PLEC (plectin; minus strand). Cytogenetic location: 8q24.3.
Variant type: single nucleotide variant.
Coding change: c.6627G>A on transcript NM_201384.3 (MANE Select); coding-DNA position 6627, G replaced by A.
Protein change: p.Leu2209=; no amino-acid change (leucine 2209 retained).
Molecular consequence: synonymous variant.
Genome position (GRCh38, 1-based): chr8:143,923,302, C>T on the plus strand (G>A on the coding strand, the complement: PLEC is on the minus strand). VCF-style: chr8-143923302-C-T. GRCh37 (hg19) VCF-style: chr8-144997470-C-T.
Other names: c.6708G>A, p.Leu2236= (NM_000445.5); c.6585G>A, p.Leu2195= (NM_201378.4); c.6561G>A, p.Leu2187= (NM_201379.3); c.7038G>A, p.Leu2346= (NM_201380.4); c.6531G>A, p.Leu2177= (NM_201381.3); c.6627G>A, p.Leu2209= (NM_201382.4); c.6639G>A, p.Leu2213= (NM_201383.3).
Identifiers: ClinVar variation 702373 (VCV000702373.9), dbSNP rs201558085, ClinGen allele CA4925924.

ClinVar aggregate classification (germline): Likely benign. Review status: criteria provided, multiple submitters, no conflicts (2 of 4 stars). 2 submissions from 2 submitters: Likely benign (2). Last evaluated 2026-05-22.

Conditions:
PLEC-related disorder. Also called: PLEC-related disorders; PLEC-related condition.
Epidermolysis bullosa simplex with nail dystrophy (EBS5D). Identifiers: MedGen C4225309, MONDO:0014661, OMIM 616487.
Epidermolysis bullosa simplex 5B, with muscular dystrophy (EBS5B). Also called: Epidermolysis bullosa simplex with muscular dystrophy; EPIDERMOLYSIS BULLOSA SIMPLEX AND LIMB-GIRDLE MUSCULAR DYSTROPHY. Identifiers: Orphanet 257, MedGen C2931072, MONDO:0009181, OMIM 226670.
Autosomal recessive limb-girdle muscular dystrophy type 2Q (LGMDR17). Also called: MUSCULAR DYSTROPHY, LIMB-GIRDLE, AUTOSOMAL RECESSIVE 17. Identifiers: Orphanet 254361, MedGen C3150989, MONDO:0013390, OMIM 613723.
Epidermolysis bullosa simplex 5C, with pyloric atresia (EBS5C). Also called: PLEC-Related Epidermolysis Bullosa with Pyloric Atresia; Epidermolysis bullosa simplex with pyloric atresia; PLEC1-Related Epidermolysis Bullosa with Pyloric Atresia. Identifiers: Orphanet 158684, MedGen C2677349, MONDO:0012807, OMIM 612138.
Epidermolysis bullosa simplex, Ogna type (EBS5A). Also called: Pidermolysis bullosa simplex 5A, Ogna type; EPIDERMOLYSIS BULLOSA SIMPLEX 5A, OGNA TYPE. Identifiers: Orphanet 79401, MedGen C0432317, MONDO:0007555, OMIM 131950.

Allele frequency attached by ClinVar (database versions not stated): gnomAD 0.00001 and 0.00003; TOPMed 0.00003; ExAC 0.00004; 1000 Genomes Project 30x 0.00062.
gnomAD v4.1: 36 of 1,609,210 alleles (0.0022%); highest among the groups gnomAD compares: Middle Eastern, 0.049%; no homozygotes.

Submissions (2):

PreventionGenetics, part of Exact Sciences
Classification: Likely benign for PLEC-related condition. Last evaluated: 2026-05-22. Review status: criteria provided, single submitter. Criteria: ACMG Guidelines, 2015. Collection method: clinical testing. Allele origin: germline.
Comment: This variant is classified as likely benign based on ACMG/AMP sequence variant interpretation guidelines (Richards et al. 2015 PMID: 25741868, with internal and published modifications).

Labcorp Genetics (formerly Invitae), Labcorp
Classification: Likely benign for Autosomal recessive limb-girdle muscular dystrophy type 2Q; Epidermolysis bullosa simplex, Ogna type; Epidermolysis bullosa simplex with nail dystrophy; Epidermolysis bullosa simplex 5C, with pyloric atresia; Epidermolysis bullosa simplex 5B, with muscular dystrophy. Last evaluated: 2025-06-12. Review status: criteria provided, single submitter. Criteria: Invitae Variant Classification Sherloc (09022015). Collection method: clinical testing. Allele origin: germline.